The following is an entry in ClinVar:

ClinVar aggregate classification (germline): Conflicting classifications of pathogenicity. Review status: criteria provided, conflicting classifications (1 of 4 stars). 3 submissions from 3 submitters: Uncertain significance (1); Likely benign (2). Last evaluated 2026-08-01.

Conditions:
Bethlem myopathy 1A. Also called: Bethlem Muscular Dystrophy; MYOPATHY, BENIGN CONGENITAL, WITH CONTRACTURES; Bethlem myopathy 1. Identifiers: Orphanet 610, MedGen CN029274, MONDO:0024530, OMIM 158810.

Allele frequency attached by ClinVar (database versions not stated): gnomAD 0.00003 and 0.00004; TOPMed 0.00009; gnomAD exomes 0.00001.
gnomAD v4.1: 32 of 1,611,690 alleles (0.002%); highest among the groups gnomAD compares: Admixed American, 0.0067%; no homozygotes.

Submissions (3):

CeGaT Center for Human Genetics Tuebingen
Classification: Likely benign. Last evaluated: 2026-08-01. Review status: criteria provided, single submitter. Criteria: CeGaT Center For Human Genetics Tuebingen Variant Classification Criteria Version 2. Collection method: clinical testing. Allele origin: germline. Affected: yes. Observed: 1 variant allele.
Comment: COL6A1: BP4, BP7

Labcorp Genetics (formerly Invitae), Labcorp
Classification: Likely benign for Bethlem myopathy 1A. Last evaluated: 2026-01-11. Review status: criteria provided, single submitter. Criteria: Invitae Variant Classification Sherloc (09022015). Collection method: clinical testing. Allele origin: germline.

Eurofins Ntd Llc (ga)
Classification: Uncertain significance. Last evaluated: 2016-10-31. Review status: criteria provided, single submitter. Criteria: EGL Classification Definitions 2015. Collection method: clinical testing. Allele origin: germline. Observed: 1 variant allele, 1 heterozygote.

NM_001848.3(COL6A1):c.2853G>A (p.Thr951=)

Gene: COL6A1 (collagen type VI alpha 1 chain; plus strand). Cytogenetic location: 21q22.3.
Variant type: single nucleotide variant.
Coding change: c.2853G>A on transcript NM_001848.3 (MANE Select); coding-DNA position 2853, G replaced by A.
Protein change: p.Thr951=; no amino-acid change (threonine 951 retained).
Molecular consequence: synonymous variant.
Genome position (GRCh38, 1-based): chr21:46,003,779, G>A. VCF-style: chr21-46003779-G-A. GRCh37 (hg19) VCF-style: chr21-47423693-G-A.
Identifiers: ClinVar variation 498189 (VCV000498189.16), dbSNP rs890068806, ClinGen allele CA321980261.
Genomic context (GRCh38, chr21:46,003,779, plus strand): 5'-GTCCGGCGCTGCCAAGAAGAGGCTGCTGCTCTTCTCAGATGGCAACTCGCAGGGCGCCAC[G>A]CCCGCTGCCATCGAGAAGGCCGTGCAGGAAGCCCAGCGGGCAGGCATCGAGATCTTCGTG-3'
Protein context (NP_001839.2, residues 941-961): LFSDGNSQGA[Thr951=]PAAIEKAVQE